The following is an entry in ClinVar:

NM_182476.3(COQ6):c.636C>T (p.Ser212=)

Genes: ENTPD5 (ectonucleoside triphosphate diphosphohydrolase 5; minus strand), COQ6 (coenzyme Q6, monooxygenase; plus strand). Cytogenetic location: 14q24.3.
Variant type: single nucleotide variant.
Coding change: c.636C>T on transcript NM_182476.3 (MANE Select); coding-DNA position 636, C replaced by T.
Protein change: p.Ser212=; no amino-acid change (serine 212 retained).
Molecular consequence: synonymous variant. On other transcripts: 3 prime UTR variant (3), intron variant (2).
Genome position (GRCh38, 1-based): chr14:73,958,994, C>T. VCF-style: chr14-73958994-C-T. GRCh37 (hg19) VCF-style: chr14-74425697-C-T.
Other names: c.*536G>A (NM_001330189.2, NM_001382259.1, NM_001382260.1); c.1201-3407G>A (NM_001382258.1); c.1201-3166G>A (NM_001382262.1); c.561C>T, p.Ser187= (NM_001425258.1, NM_182480.3); c.411C>T, p.Ser137= (NM_001425259.1, NM_001425260.1, NM_001425261.1); c.381C>T, p.Ser127= (NM_001425262.1); c.309C>T, p.Ser103= (NM_001425263.1); c.96C>T, p.Ser32= (NM_001425264.1, NM_001425265.1); and 2 more.
Identifiers: ClinVar variation 1986312 (VCV001986312.5), dbSNP rs781215265, ClinGen allele CA7264266.

ClinVar aggregate classification (germline): Likely benign. Review status: criteria provided, single submitter (1 of 4 stars). 2 submissions from 2 submitters: Likely benign (1). 1 of the submissions does not count toward it. Last evaluated 2022-08-20.

Conditions:
COQ6-related disorder. Also called: COQ6-related condition.

Allele frequency attached by ClinVar (database versions not stated): TOPMed below 0.00001; ExAC 0.00002.
gnomAD v4.1: 33 of 1,614,062 alleles (0.002%); highest among the groups gnomAD compares: Middle Eastern, 0.017%; no homozygotes.

Submissions (2):

Labcorp Genetics (formerly Invitae), Labcorp
Classification: Likely benign. Last evaluated: 2022-08-20. Review status: criteria provided, single submitter. Criteria: Invitae Variant Classification Sherloc (09022015). Collection method: clinical testing. Allele origin: germline.

PreventionGenetics, part of Exact Sciences
Classification: Likely benign for COQ6-related condition. Last evaluated: 2019-08-13. Review status: no assertion criteria provided. Collection method: clinical testing. Allele origin: germline. Not counted in ClinVar's aggregate classification.
Comment: This variant is classified as likely benign based on ACMG/AMP sequence variant interpretation guidelines (Richards et al. 2015 PMID: 25741868, with internal and published modifications).